The following is an entry in ClinVar:

ClinVar aggregate classification (germline): Uncertain significance (1 of 4 stars; one submission).

Submission:

ARUP Laboratories, Molecular Genetics and Genomics, ARUP Laboratories
Classification: Uncertain significance. Last evaluated: 2025-05-02. Review status: criteria provided, single submitter. Criteria: ARUP Molecular Germline Variant Investigation Process 2024. Collection method: clinical testing. Allele origin: germline.
Comment: The EGFR c.1912A>G; p.Thr638Ala variant (rs762592162), to our knowledge, is not reported in the medical literature or gene specific databases. This variant is only observed on one allele in the Genome Aggregation Database (v2.1.1), indicating it is not a common polymorphism. Computational analyses predict that this variant is neutral (REVEL: 0.085). Due to limited information, the clinical significance of this variant is uncertain at this time.

NM_005228.5(EGFR):c.1912A>G (p.Thr638Ala)

Gene: EGFR (epidermal growth factor receptor; plus strand). Cytogenetic location: 7p11.2.
Variant type: single nucleotide variant.
Coding change: c.1912A>G on transcript NM_005228.5 (MANE Select); coding-DNA position 1912, A replaced by G.
Protein change: p.Thr638Ala; replaces threonine 638 with alanine.
Molecular consequence: missense variant.
Genome position (GRCh38, 1-based): chr7:55,171,206, A>G. VCF-style: chr7-55171206-A-G. GRCh37 (hg19) VCF-style: chr7-55238899-A-G.
Other names: c.1777A>G, p.Thr593Ala (NM_001346897.2, NM_001346899.2); c.1912A>G, p.Thr638Ala (NM_001346898.2); c.1753A>G, p.Thr585Ala (NM_001346900.2); c.1111A>G, p.Thr371Ala (NM_001346941.2); short protein forms T371A, T585A, T593A, T638A.
Identifiers: ClinVar variation 4685791 (VCV004685791.1).